The following is an entry in ClinVar:

NM_024675.4(PALB2):c.134dup (p.His46fs)

Gene: PALB2 (partner and localizer of BRCA2; minus strand). Cytogenetic location: 16p12.2.
Variant type: Duplication.
Coding change: c.134dup on transcript NM_024675.4 (MANE Select); coding-DNA position 134, one base duplicated (A; older notation c.134dupA).
Protein change: p.His46fs; shifts the reading frame from histidine 46.
Molecular consequence: frameshift variant. On other transcripts: 5 prime UTR variant (8), intron variant (3).
Genome position (GRCh38, 1-based): chr16:23,637,927, T duplicated on the plus strand (A on the coding strand, the reverse complement: PALB2 is on the minus strand); the first of 2 consecutive T bases (chr16:23,637,927-23,637,928); duplicating either gives the same sequence. VCF-style (leftmost placement, unchanged base first): chr16-23637926-C-CT. GRCh37 (hg19) VCF-style: chr16-23649247-C-CT.
Other names: c.74dup, p.His26fs (NM_001407296.1); c.134dup, p.His46fs (NM_001407297.1, NM_001407298.1, NM_001407299.1 and 3 more transcripts); c.-752dup (NM_001407304.1, NM_001407305.1, NM_001407306.1 and 5 more transcripts); c.48+3183dup (NM_001407314.1); c.-105+3183dup (NM_001407313.1, NM_001407312.1); short protein forms H26fs, H46fs.
Identifiers: ClinVar variation 4812990 (VCV004812990.1).

ClinVar aggregate classification (germline): Pathogenic (1 of 4 stars; one submission).

Conditions:
Familial cancer of breast. Also called: Hereditary breast cancer; BREAST CANCER, FAMILIAL; hereditary breast carcinoma. Identifiers: Orphanet 227535, MedGen C0346153, MONDO:0016419, OMIM 114480. Disease mechanism: loss of function.

Submission:

Myriad Genetics, Inc.
Classification: Pathogenic for Familial cancer of breast. Last evaluated: 2025-11-12. Review status: criteria provided, single submitter. Criteria: Myriad Autosomal Dominant, Autosomal Recessive and X-Linked Classification Criteria (2023). Collection method: clinical testing. Allele origin: unknown.
Comment: This variant is considered pathogenic. This variant creates a frameshift predicted to result in premature protein truncation.